The following is an entry in ClinVar:

ClinVar aggregate classification (germline): Uncertain significance (1 of 4 stars; one submission).

Conditions:
Werner syndrome (WRN). Identifiers: Orphanet 902, MedGen C0043119, MONDO:0010196, OMIM 277700.

Allele frequency attached by ClinVar (database versions not stated): TOPMed below 0.00001; gnomAD 0.00001; gnomAD exomes 0.00001.
gnomAD v4.1: 7 of 1,612,926 alleles (0.00043%); highest among the groups gnomAD compares: Non-Finnish European, 0.00059%; no homozygotes.

Submission:

Labcorp Genetics (formerly Invitae), Labcorp
Classification: Uncertain significance for Werner syndrome. Last evaluated: 2022-05-02. Review status: criteria provided, single submitter. Criteria: Invitae Variant Classification Sherloc (09022015). Collection method: clinical testing. Allele origin: germline.
Comment: In summary, the available evidence is currently insufficient to determine the role of this variant in disease. Therefore, it has been classified as a Variant of Uncertain Significance. Algorithms developed to predict the effect of missense changes on protein structure and function are either unavailable or do not agree on the potential impact of this missense change (SIFT: "Not Available"; PolyPhen-2: "Probably Damaging"; Align-GVGD: "Not Available"). This variant has not been reported in the literature in individuals affected with WRN-related conditions. This variant is not present in population databases (gnomAD no frequency). This sequence change replaces isoleucine, which is neutral and non-polar, with threonine, which is neutral and polar, at codon 833 of the WRN protein (p.Ile833Thr).

NM_000553.6(WRN):c.2498T>C (p.Ile833Thr)

Gene: WRN (WRN RecQ like helicase; plus strand). Cytogenetic location: 8p12.
Variant type: single nucleotide variant.
Coding change: c.2498T>C on transcript NM_000553.6 (MANE Select); coding-DNA position 2498, T replaced by C.
Protein change: p.Ile833Thr; replaces isoleucine 833 with threonine.
Molecular consequence: missense variant.
Genome position (GRCh38, 1-based): chr8:31,120,292, T>C. VCF-style: chr8-31120292-T-C. GRCh37 (hg19) VCF-style: chr8-30977808-T-C.
Other names: short protein forms I833T.
Identifiers: ClinVar variation 2147784 (VCV002147784.4), dbSNP rs1226250616, ClinGen allele CA370915327.